The following is an entry in ClinVar:

NM_004213.5(SLC28A1):c.*8A>G

Gene: SLC28A1 (solute carrier family 28 member 1; plus strand). Cytogenetic location: 15q25.3.
Variant type: single nucleotide variant.
Coding change: c.*8A>G on transcript NM_004213.5 (MANE Select); 8 bases downstream of the stop codon, A replaced by G.
Molecular consequence: 3 prime UTR variant. On other transcripts: intron variant (2).
Genome position (GRCh38, 1-based): chr15:84,945,208, A>G. VCF-style: chr15-84945208-A-G. GRCh37 (hg19) VCF-style: chr15-85488439-A-G.
Other names: c.*8A>G (NM_001287761.2, NM_001287762.2); c.1874+341A>G (NM_001321722.2); c.1581+9690A>G (NM_001321721.2).
Identifiers: ClinVar variation 3052972 (VCV003052972.2), dbSNP rs72547520, ClinGen allele CA7711032.

ClinVar aggregate classification (germline): Benign (0 of 4 stars; one submission).

Conditions:
SLC28A1-related disorder. Also called: SLC28A1-related condition.

Allele frequency attached by ClinVar (database versions not stated): gnomAD exomes 0.00022; ExAC 0.00068; 1000 Genomes Project 30x 0.00219; 1000 Genomes Project 0.00220; gnomAD 0.00233; TOPMed 0.00281; ESP Exome Variant Server 0.00308.
gnomAD v4.1: 692 of 1,613,214 alleles (0.043%); highest among the groups gnomAD compares: African/African-American, 0.81%; 3 homozygotes.

Submission:

PreventionGenetics, part of Exact Sciences
Classification: Benign for SLC28A1-related condition. Last evaluated: 2020-01-02. Review status: no assertion criteria provided. Collection method: clinical testing. Allele origin: germline.
Comment: This variant is classified as benign based on ACMG/AMP sequence variant interpretation guidelines (Richards et al. 2015 PMID: 25741868, with internal and published modifications).